The following is an entry in ClinVar:

NM_021098.3(CACNA1H):c.4492T>C (p.Phe1498Leu)

Gene: CACNA1H (calcium voltage-gated channel subunit alpha1 H; plus strand). Cytogenetic location: 16p13.3.
Variant type: single nucleotide variant.
Coding change: c.4492T>C on transcript NM_021098.3 (MANE Select); coding-DNA position 4492, T replaced by C.
Protein change: p.Phe1498Leu; replaces phenylalanine 1498 with leucine.
Molecular consequence: missense variant.
Genome position (GRCh38, 1-based): chr16:1,211,731, T>C. VCF-style: chr16-1211731-T-C. GRCh37 (hg19) VCF-style: chr16-1261731-T-C.
Other names: c.4492T>C, p.Phe1498Leu (NM_001005407.2); short protein forms F1498L.
Identifiers: ClinVar variation 3362143 (VCV003362143.1).

ClinVar aggregate classification (germline): Uncertain significance (1 of 4 stars; one submission).

gnomAD v4.1: 1 of 1,612,624 alleles (0.000062%); highest among the groups gnomAD compares: Admixed American, 0.0017%; no homozygotes.

Submission:

GeneDx
Classification: Uncertain significance. Last evaluated: 2023-05-26. Review status: criteria provided, single submitter. Criteria: GeneDx Variant Classification Process June 2021. Collection method: clinical testing. Allele origin: germline. Affected: yes.
Comment: Not observed at significant frequency in large population cohorts (gnomAD); In silico analysis supports that this missense variant has a deleterious effect on protein structure/function; Has not been previously published as pathogenic or benign to our knowledge